The following is an entry in ClinVar:

NM_001330360.2(POLA1):c.1118T>C (p.Ile373Thr)

Gene: POLA1 (DNA polymerase alpha 1, catalytic subunit; plus strand). Cytogenetic location: Xp22.11.
Variant type: single nucleotide variant.
Coding change: c.1118T>C on transcript NM_001330360.2 (MANE Select); coding-DNA position 1118, T replaced by C.
Protein change: p.Ile373Thr; replaces isoleucine 373 with threonine.
Molecular consequence: missense variant. On other transcripts: non-coding transcript variant (2).
Genome position (GRCh38, 1-based): chrX:24,723,185, T>C. VCF-style: chrX-24723185-T-C. GRCh37 (hg19) VCF-style: chrX-24741302-T-C.
Other names: c.1118T>C, p.Ile373Thr (NM_001378303.1, NM_001440806.1); c.1100T>C, p.Ile367Thr (NM_016937.4); short protein forms I367T, I373T.
Identifiers: ClinVar variation 4076837 (VCV004076837.1).

ClinVar aggregate classification (germline): Uncertain significance (1 of 4 stars; one submission).

Submission:

GeneDx
Classification: Uncertain significance. Last evaluated: 2025-02-23. Review status: criteria provided, single submitter. Criteria: GeneDx Variant Classification Process June 2021. Collection method: clinical testing. Allele origin: germline. Affected: yes.
Comment: Not observed at significant frequency in large population cohorts (gnomAD); In silico analysis indicates that this missense variant does not alter protein structure/function; Has not been previously published as pathogenic or benign to our knowledge